The following is an entry in ClinVar:

NM_004517.4(ILK):c.1322T>G (p.Met441Arg)

Genes: TAF10 (TATA-box binding protein associated factor 10; minus strand), ILK (integrin linked kinase; plus strand). Cytogenetic location: 11p15.4.
Variant type: single nucleotide variant.
Coding change: c.1322T>G on transcript NM_004517.4 (MANE Select); coding-DNA position 1322, T replaced by G.
Protein change: p.Met441Arg; replaces methionine 441 with arginine.
Molecular consequence: missense variant. On other transcripts: 3 prime UTR variant (1).
Genome position (GRCh38, 1-based): chr11:6,610,574, T>G. VCF-style: chr11-6610574-T-G. GRCh37 (hg19) VCF-style: chr11-6631805-T-G.
Other names: c.1322T>G, p.Met441Arg (NM_001014794.3, NM_001014795.3); c.1139T>G, p.Met380Arg (NM_001278441.2); c.920T>G, p.Met307Arg (NM_001278442.2); c.*348A>C (NM_006284.4); short protein forms M307R, M380R, M441R.
Identifiers: ClinVar variation 1057190 (VCV001057190.9), dbSNP rs1452306438, ClinGen allele CA379468399.

ClinVar aggregate classification (germline): Uncertain significance (1 of 4 stars; one submission).

Conditions:
Primary familial hypertrophic cardiomyopathy (HCM). Identifiers: Orphanet 99739, MedGen C0949658, MeSH D024741, MONDO:0024573. Inheritance: Various modes of inheritance.

Allele frequency attached by ClinVar (database versions not stated): gnomAD exomes below 0.00001 and 0.00001; TOPMed below 0.00001.
gnomAD v4.1: 1 of 1,614,214 alleles (0.000062%); highest among the groups gnomAD compares: Admixed American, 0.0017%; no homozygotes.

Submission:

Labcorp Genetics (formerly Invitae), Labcorp
Classification: Uncertain significance for Primary familial hypertrophic cardiomyopathy. Last evaluated: 2020-08-14. Review status: criteria provided, single submitter. Criteria: Invitae Variant Classification Sherloc (09022015). Collection method: clinical testing. Allele origin: germline.
Comment: This variant has not been reported in the literature in individuals with ILK-related conditions. This variant is not present in population databases (ExAC no frequency). This sequence change replaces methionine with arginine at codon 441 of the ILK protein (p.Met441Arg). The methionine residue is highly conserved and there is a moderate physicochemical difference between methionine and arginine. In summary, the available evidence is currently insufficient to determine the role of this variant in disease. Therefore, it has been classified as a Variant of Uncertain Significance. Algorithms developed to predict the effect of sequence changes on RNA splicing suggest that this variant may create or strengthen a splice site, but this prediction has not been confirmed by published transcriptional studies. Algorithms developed to predict the effect of missense changes on protein structure and function are either unavailable or do not agree on the potential impact of this missense change (SIFT: "Deleterious"; PolyPhen-2: "Probably Damaging"; Align-GVGD: "Class C0").